The following is an entry in ClinVar:

NM_006206.6(PDGFRA):c.1843T>A (p.Leu615Ile)

Gene: PDGFRA (platelet derived growth factor receptor alpha; plus strand). Cytogenetic location: 4q12.
Variant type: single nucleotide variant.
Coding change: c.1843T>A on transcript NM_006206.6 (MANE Select); coding-DNA position 1843, T replaced by A.
Protein change: p.Leu615Ile; replaces leucine 615 with isoleucine.
Molecular consequence: missense variant.
Genome position (GRCh38, 1-based): chr4:54,277,444, T>A. VCF-style: chr4-54277444-T-A. GRCh37 (hg19) VCF-style: chr4-55143611-T-A.
Other names: c.1843T>A, p.Leu615Ile (NM_001347827.2, NM_001347829.2); c.1918T>A, p.Leu640Ile (NM_001347828.2); c.1882T>A, p.Leu628Ile (NM_001347830.2); short protein forms L615I, L640I, L628I.
Identifiers: ClinVar variation 1781207 (VCV001781207.2), dbSNP rs1382903773, ClinGen allele CA356893443.

ClinVar aggregate classification (germline): Uncertain significance (1 of 4 stars; one submission).

Conditions:
Hereditary cancer-predisposing syndrome. Also called: Neoplastic Syndromes, Hereditary; Tumor predisposition; Hereditary Cancer Syndrome; Hereditary neoplastic syndrome. Identifiers: Orphanet 140162, MedGen C0027672, MeSH D009386, MONDO:0015356.

Allele frequency attached by ClinVar (database versions not stated): TOPMed below 0.00001; gnomAD 0.00001.
gnomAD v4.1: 1 of 1,613,984 alleles (0.000062%); highest among the groups gnomAD compares: Non-Finnish European, 0.000085%; no homozygotes.

Submission:

Ambry Genetics
Classification: Uncertain significance for Hereditary cancer-predisposing syndrome. Last evaluated: 2022-07-19. Review status: criteria provided, single submitter. Criteria: Ambry Variant Classification Scheme 2023. Collection method: clinical testing. Allele origin: germline.
Comment: The p.L615I variant (also known as c.1843T>A), located in coding exon 12 of the PDGFRA gene, results from a T to A substitution at nucleotide position 1843. The leucine at codon 615 is replaced by isoleucine, an amino acid with highly similar properties. This amino acid position is conserved. In addition, the in silico prediction for this alteration is inconclusive. Since supporting evidence is limited at this time, the clinical significance of this alteration remains unclear.